The following is an entry in ClinVar:

NM_006060.6(IKZF1):c.41-14T>C

Gene: IKZF1 (IKAROS family zinc finger 1; plus strand). Cytogenetic location: 7p12.2.
Variant type: single nucleotide variant.
Coding change: c.41-14T>C on transcript NM_006060.6 (MANE Select); 14 bases into the intron before coding-DNA position 41, T replaced by C.
Molecular consequence: intron variant.
Genome position (GRCh38, 1-based): chr7:50,327,624, T>C. VCF-style: chr7-50327624-T-C. GRCh37 (hg19) VCF-style: chr7-50367220-T-C.
Other names: c.41-14T>C (NM_001410879.1, NM_001291839.2, NM_001220765.3 and 14 more transcripts).
Identifiers: ClinVar variation 2783331 (VCV002783331.3), dbSNP rs2536611692, ClinGen allele CA2578891107.

ClinVar aggregate classification (germline): Uncertain significance (1 of 4 stars; one submission).

Submission:

Labcorp Genetics (formerly Invitae), Labcorp
Classification: Uncertain significance. Last evaluated: 2023-05-16. Review status: criteria provided, single submitter. Criteria: Invitae Variant Classification Sherloc (09022015). Collection method: clinical testing. Allele origin: germline.
Comment: In summary, the available evidence is currently insufficient to determine the role of this variant in disease. Therefore, it has been classified as a Variant of Uncertain Significance. Experimental studies and prediction algorithms are not available or were not evaluated, and the effect of this variant on mRNA splicing is currently unknown. This variant has not been reported in the literature in individuals affected with IKZF1-related conditions. This variant is not present in population databases (gnomAD no frequency). This sequence change falls in intron 2 of the IKZF1 gene. It does not directly change the encoded amino acid sequence of the IKZF1 protein.